The following is an entry in ClinVar:

NC_000016.9:g.(23635416_23637556)_(23647656_23649170)del

Gene: PALB2 (partner and localizer of BRCA2; minus strand). Cytogenetic location: 16p12.2.
Variant type: Deletion.
Identifiers: ClinVar variation 2691444 (VCV002691444.1).

ClinVar aggregate classification (germline): Pathogenic (1 of 4 stars; one submission).

Conditions:
Malignant tumor of breast. Also called: Malignant breast neoplasm; Cancer breast. Identifiers: MedGen C0006142, MONDO:0007254. Disease mechanism: loss of function.

Submission:

Women's Health and Genetics/Laboratory Corporation of America, LabCorp
Classification: Pathogenic for Malignant tumor of breast. Last evaluated: 2023-12-28. Review status: criteria provided, single submitter. Criteria: LabCorp Variant Classification Summary - May 2015. Collection method: clinical testing. Allele origin: germline.
Comment: Variant summary: The variant involves the deletion of exons 4-7 in the PALB2 gene. A presumed nomenclature of c.(211+1_212-1)_(2748+1_2749-1)del has been designated for the purposes of this classification. This Copy Number Variant (CNV) is expected to alter the reading frame and predicted to result in a truncation or absence of the encoded protein due to nonsense mediated decay (NMD). The variant was absent in 123614 control chromosomes in the gnomAD database (Structural Variants v4.0 dataset). To our knowledge, no occurrence of c.(211+1_212-1)_(2748+1_2749-1)del in individuals affected with Breast Cancer and no experimental evidence demonstrating its impact on protein function have been reported. One submitter has cited clinical-significance assessments for this variant to ClinVar after 2014 and has classified the variant as pathogenic. Based on the evidence outlined above, the variant was classified as pathogenic.